The following is an entry in ClinVar:

NM_001128126.3(AP4S1):c.17T>C (p.Leu6Pro)

Gene: AP4S1 (adaptor related protein complex 4 subunit sigma 1; plus strand). Cytogenetic location: 14q12.
Variant type: single nucleotide variant.
Coding change: c.17T>C on transcript NM_001128126.3 (MANE Select); coding-DNA position 17, T replaced by C.
Protein change: p.Leu6Pro; replaces leucine 6 with proline.
Molecular consequence: missense variant.
Genome position (GRCh38, 1-based): chr14:31,066,213, T>C. VCF-style: chr14-31066213-T-C. GRCh37 (hg19) VCF-style: chr14-31535419-T-C.
Other names: c.17T>C, p.Leu6Pro (NM_001254726.2, NM_001254727.2, NM_001254728.2 and 2 more transcripts); short protein forms L6P.
Identifiers: ClinVar variation 521909 (VCV000521909.6), dbSNP rs1335804396, ClinGen allele CA389358554.

ClinVar aggregate classification (germline): Likely pathogenic. Review status: criteria provided, single submitter (1 of 4 stars). 2 submissions from 2 submitters: Likely pathogenic (1). 1 of the submissions does not count toward it. Last evaluated 2026-03-30.

Conditions:
Inborn genetic diseases. Identifiers: MedGen C0950123, MeSH D030342.
Spastic paraplegia. Identifiers: MedGen C0037772, HP:0001258.

Allele frequency attached by ClinVar (database versions not stated): TOPMed below 0.00001; gnomAD 0.00001.
gnomAD v4.1: 1 of 1,613,922 alleles (0.000062%); highest among the groups gnomAD compares: Non-Finnish European, 0.000085%; no homozygotes.

Submissions (2):

Ambry Genetics
Classification: Likely pathogenic for Inborn genetic diseases. Last evaluated: 2026-03-30. Review status: criteria provided, single submitter. Criteria: Ambry Variant Classification Scheme 2023. Collection method: clinical testing. Allele origin: germline.
Comment: The c.17T>C (p.L6P) alteration is located in exon 2 (coding exon 1) of the AP4S1 gene. This alteration results from a T to C substitution at nucleotide position 17, causing the leucine (L) at amino acid position 6 to be replaced by a proline (P). The alteration is not observed in population databases: Based on data from the Genome Aggregation Database (gnomAD), the AP4S1 c.17T>C alteration was not observed among approximately 138,632 individuals tested. Based on data from the NHLBI Exome Sequencing Project (ESP), the AP4S1 c.17T>C alteration was not observed among 6,503 individuals tested. Allele frequency data for this nucleotide position are not currently available from the 1000 Genomes Project. The altered amino acid is conserved throughout evolution: The p.L6 amino acid is conserved in available vertebrate species. The alteration is predicted deleterious by in silico models: The p.L6P alteration is predicted to be probably damaging by Polyphen and deleterious by SIFT in silico analyses. Based on the available evidence, this alteration is classified as likely pathogenic.

Yale Center for Mendelian Genomics, Yale University
Classification: Likely pathogenic for Spastic paraplegia. Last evaluated: 2020-10-01. Review status: no assertion criteria provided. Collection method: literature only. Allele origin: germline. Affected: yes. Observed: 1 compound heterozygote. Study: Yale Center for Mendelian Genomics. Not counted in ClinVar's aggregate classification.

Literature cited by the submitters: PubMed 32979048 (cited by Yale Center for Mendelian Genomics, Yale University).